The following is an entry in ClinVar:

NM_001365276.2(TNXB):c.1814G>C (p.Cys605Ser)

Gene: TNXB (tenascin XB; minus strand). Cytogenetic location: 6p21.33.
Variant type: single nucleotide variant.
Coding change: c.1814G>C on transcript NM_001365276.2 (MANE Select); coding-DNA position 1814, G replaced by C.
Protein change: p.Cys605Ser; replaces cysteine 605 with serine.
Molecular consequence: missense variant.
Genome position (GRCh38, 1-based): chr6:32,096,039, C>G on the plus strand (G>C on the coding strand, the complement: TNXB is on the minus strand). VCF-style: chr6-32096039-C-G. GRCh37 (hg19) VCF-style: chr6-32063816-C-G.
Other names: c.1814G>C, p.Cys605Ser (NM_001428335.1, NM_019105.8); short protein forms C605S.
Identifiers: ClinVar variation 3227245 (VCV003227245.1), dbSNP rs1780323233, ClinGen allele CA363477123.

ClinVar aggregate classification (germline): Uncertain significance (1 of 4 stars; one submission).

Conditions:
Cardiovascular phenotype. Identifiers: MedGen CN230736.

Submission:

Ambry Genetics
Classification: Uncertain significance for Cardiovascular phenotype. Last evaluated: 2023-12-21. Review status: criteria provided, single submitter. Criteria: Ambry Variant Classification Scheme 2023. Collection method: clinical testing. Allele origin: germline.
Comment: The p.C605S variant (also known as c.1814G>C), located in coding exon 2 of the TNXB gene, results from a G to C substitution at nucleotide position 1814. The cysteine at codon 605 is replaced by serine, an amino acid with dissimilar properties. This amino acid position is conserved. In addition, the in silico prediction for this alteration is inconclusive. Since supporting evidence is limited at this time, the clinical significance of this alteration remains unclear.